The following is an entry in ClinVar:

NM_000092.5(COL4A4):c.2428G>A (p.Gly810Ser)

Gene: COL4A4 (collagen type IV alpha 4 chain; minus strand). Cytogenetic location: 2q36.3.
Variant type: single nucleotide variant.
Coding change: c.2428G>A on transcript NM_000092.5 (MANE Select); coding-DNA position 2428, G replaced by A.
Protein change: p.Gly810Ser; replaces glycine 810 with serine.
Molecular consequence: missense variant.
Genome position (GRCh38, 1-based): chr2:227,057,556, C>T on the plus strand (G>A on the coding strand, the complement: COL4A4 is on the minus strand). VCF-style: chr2-227057556-C-T. GRCh37 (hg19) VCF-style: chr2-227922272-C-T.
Other names: short protein forms G810S.
Identifiers: ClinVar variation 1004149 (VCV001004149.8), dbSNP rs1975763905, ClinGen allele CA350841415.
Genomic context (GRCh38, chr2:227,057,556, plus strand): 5'-TTTCACAGGAATGGCCAGGTGGACCTGGGACACCTGGAAACCCAGCATGTCCCTCTCTGC[C>T]TTTGGGACCTTTGAGACCTAGGAATCCAGGAATGCCAGCTGGCCCTGAAATGATACAATA-3'
Protein context (NP_000083.3, residues 800-820): PGFLGLKGPK[Gly810Ser]REGHAGFPGV

ClinVar aggregate classification (germline): Uncertain significance (1 of 4 stars; one submission).

Submission:

Labcorp Genetics (formerly Invitae), Labcorp
Classification: Uncertain significance. Last evaluated: 2020-08-28. Review status: criteria provided, single submitter. Criteria: Invitae Variant Classification Sherloc (09022015). Collection method: clinical testing. Allele origin: germline.
Comment: Advanced modeling of protein sequence and biophysical properties (such as structural, functional, and spatial information, amino acid conservation, physicochemical variation, residue mobility, and thermodynamic stability) performed at Invitae indicates that this missense variant is expected to disrupt COL4A4 protein function. In summary, the available evidence is currently insufficient to determine the role of this variant in disease. Therefore, it has been classified as a Variant of Uncertain Significance. This variant has been observed in individual(s) with clinical features of Alport syndrome (Invitae). This variant is not present in population databases (ExAC no frequency). This sequence change replaces glycine with serine at codon 810 of the COL4A4 protein (p.Gly810Ser). The glycine residue is highly conserved and there is a small physicochemical difference between glycine and serine.